The following is an entry in ClinVar:

ClinVar aggregate classification (germline): Likely pathogenic. Review status: criteria provided, single submitter (1 of 4 stars). 2 submissions from 2 submitters: Likely pathogenic (1). 1 of the submissions does not count toward it. Last evaluated 2024-01-04.

Conditions:
Hypertrophic cardiomyopathy. Also called: HYPERTROPHIC MYOCARDIOPATHY. Identifiers: Orphanet 217569, MedGen C0007194, MeSH D002312, MONDO:0005045, HP:0001639.
Left ventricular noncompaction 10 (LVNC10). Identifiers: Orphanet 154, Orphanet 54260, MedGen C3715165, MONDO:0014163, OMIM 615396.

Submissions (2):

Labcorp Genetics (formerly Invitae), Labcorp
Classification: Likely pathogenic for Hypertrophic cardiomyopathy. Last evaluated: 2024-01-04. Review status: criteria provided, single submitter. Criteria: Invitae Variant Classification Sherloc (09022015). Collection method: clinical testing. Allele origin: germline.
Comment: This sequence change affects an acceptor splice site in intron 27 of the MYBPC3 gene. It is expected to disrupt RNA splicing. Variants that disrupt the donor or acceptor splice site typically lead to a loss of protein function (PMID: 16199547), and loss-of-function variants in MYBPC3 are known to be pathogenic (PMID: 19574547). This variant is not present in population databases (gnomAD no frequency). This variant has not been reported in the literature in individuals affected with MYBPC3-related conditions. ClinVar contains an entry for this variant (Variation ID: 1345676). Algorithms developed to predict the effect of sequence changes on RNA splicing suggest that this variant may disrupt the consensus splice site. In summary, the currently available evidence indicates that the variant is pathogenic, but additional data are needed to prove that conclusively. Therefore, this variant has been classified as Likely Pathogenic.

Diagnostics Centre, Carl Von Ossietzky University Oldenburg
Classification: Likely pathogenic for Left ventricular noncompaction 10. Last evaluated: 2024-05-10. Review status: no assertion criteria provided. Collection method: clinical testing. Allele origin: germline. Affected: yes. Observed: 1 variant allele. Not counted in ClinVar's aggregate classification.
Comment: The variant MYBPC3:c.2906-1G>A p.(?), which is located at the canonical splice site upstream of the coding exon 28 of the MYBPC3 gene, at nucleotide position c.2906-1G. The variant potentially leads to a change on the splicing pattern. In silico tools predict a severe deleterious effect on the splice product (Splice AI = 0.99). The altered gene product is predicted to be degraded by nonsense-mediated decay in a gene where loss-of-function is a known mechanism of disease. The variant has been classified as Likely Pathogenic in one entry in ClinVar (ClinvarID: 1345676). The variant is classified as very rare since it is absent in gnomAD v4.1.0. In summary, this variant is classified as Likely pathogenic.

Literature cited by the submitters: PubMed 16199547 (cited by Labcorp Genetics (formerly Invitae), Labcorp); PubMed 19574547 (cited by Labcorp Genetics (formerly Invitae), Labcorp).

NM_000256.3(MYBPC3):c.2906-1G>A

Gene: MYBPC3 (myosin binding protein C3; minus strand). Cytogenetic location: 11p11.2.
Variant type: single nucleotide variant.
Coding change: c.2906-1G>A on transcript NM_000256.3 (MANE Select); the canonical splice acceptor site of the intron before coding-DNA position 2906, G replaced by A.
Molecular consequence: splice acceptor variant.
Genome position (GRCh38, 1-based): chr11:47,334,011, C>T on the plus strand (G>A on the coding strand, the complement: MYBPC3 is on the minus strand). VCF-style: chr11-47334011-C-T. GRCh37 (hg19) VCF-style: chr11-47355562-C-T.
Identifiers: ClinVar variation 1345676 (VCV001345676.9), dbSNP rs1409755826, ClinGen allele CA380316054.